The following is an entry in ClinVar:

NM_001277115.2(DNAH11):c.3694G>A (p.Val1232Ile)

Gene: DNAH11 (dynein axonemal heavy chain 11; plus strand). Cytogenetic location: 7p15.3.
Variant type: single nucleotide variant.
Coding change: c.3694G>A on transcript NM_001277115.2 (MANE Select); coding-DNA position 3694, G replaced by A.
Protein change: p.Val1232Ile; replaces valine 1232 with isoleucine.
Molecular consequence: missense variant.
Genome position (GRCh38, 1-based): chr7:21,606,471, G>A. VCF-style: chr7-21606471-G-A. GRCh37 (hg19) VCF-style: chr7-21646089-G-A.
Other names: c.3694G>A, p.Val1232Ile (NM_003777.3); short protein forms V1232I.
Identifiers: ClinVar variation 2562610 (VCV002562610.2), dbSNP rs1273839207, ClinGen allele CA366947910.

ClinVar aggregate classification (germline): Uncertain significance (1 of 4 stars; one submission).

Conditions:
Primary ciliary dyskinesia. Also called: Ciliary dyskinesia. Identifiers: Orphanet 244, MedGen C0008780, MONDO:0016575, HP:0012265.

Allele frequency attached by ClinVar (database versions not stated): gnomAD exomes 0.00001; gnomAD 0.00002; TOPMed 0.00002.
gnomAD v4.1: 20 of 1,607,830 alleles (0.0012%); highest among the groups gnomAD compares: Non-Finnish European, 0.0016%; no homozygotes.

Submission:

Ambry Genetics
Classification: Uncertain significance for Primary ciliary dyskinesia. Last evaluated: 2023-03-16. Review status: criteria provided, single submitter. Criteria: Ambry Variant Classification Scheme 2023. Collection method: clinical testing. Allele origin: germline.
Comment: The p.V1232I variant (also known as c.3694G>A), located in coding exon 19 of the DNAH11 gene, results from a G to A substitution at nucleotide position 3694. The valine at codon 1232 is replaced by isoleucine, an amino acid with highly similar properties. This amino acid position is conserved. In addition, this alteration is predicted to be tolerated by in silico analysis. Since supporting evidence is limited at this time, the clinical significance of this alteration remains unclear.